The following is an entry in ClinVar:

ClinVar aggregate classification (germline): Uncertain significance. Review status: criteria provided, multiple submitters, no conflicts (2 of 4 stars). 3 submissions from 3 submitters: Uncertain significance (3). Last evaluated 2025-03-03.

Conditions:
Primary ciliary dyskinesia. Also called: Ciliary dyskinesia. Identifiers: Orphanet 244, MedGen C0008780, MONDO:0016575, HP:0012265.

Allele frequency attached by ClinVar (database versions not stated): TOPMed 0.00002; gnomAD 0.00005.
gnomAD v4.1: 31 of 1,204,368 alleles (0.0026%); highest among the groups gnomAD compares: Non-Finnish European, 0.0031%; no homozygotes.

Submissions (3):

Ambry Genetics
Classification: Uncertain significance for Primary ciliary dyskinesia. Last evaluated: 2025-03-03. Review status: criteria provided, single submitter. Criteria: Ambry Variant Classification Scheme 2023. Collection method: clinical testing. Allele origin: germline.
Comment: The p.R323C variant (also known as c.967C>T), located in coding exon 9 of the RPGR gene, results from a C to T substitution at nucleotide position 967. The arginine at codon 323 is replaced by cysteine, an amino acid with highly dissimilar properties. This amino acid position is conserved. In addition, this alteration is predicted to be deleterious by in silico analysis. Since supporting evidence is limited at this time, the clinical significance of this alteration remains unclear.

Blueprint Genetics
Classification: Uncertain significance. Last evaluated: 2024-07-29. Review status: criteria provided, single submitter. Criteria: ACMG Guidelines, 2015. Collection method: clinical testing. Allele origin: germline.

Labcorp Genetics (formerly Invitae), Labcorp
Classification: Uncertain significance for Primary ciliary dyskinesia. Last evaluated: 2023-08-14. Review status: criteria provided, single submitter. Criteria: Invitae Variant Classification Sherloc (09022015). Collection method: clinical testing. Allele origin: germline.
Comment: This sequence change replaces arginine, which is basic and polar, with cysteine, which is neutral and slightly polar, at codon 323 of the RPGR protein (p.Arg323Cys). This variant is not present in population databases (gnomAD no frequency). This variant has not been reported in the literature in individuals affected with RPGR-related conditions. ClinVar contains an entry for this variant (Variation ID: 1767766). Advanced modeling of protein sequence and biophysical properties (such as structural, functional, and spatial information, amino acid conservation, physicochemical variation, residue mobility, and thermodynamic stability) performed at Invitae indicates that this missense variant is expected to disrupt RPGR protein function. In summary, the available evidence is currently insufficient to determine the role of this variant in disease. Therefore, it has been classified as a Variant of Uncertain Significance.

NM_001034853.2(RPGR):c.967C>T (p.Arg323Cys)

Gene: RPGR (retinitis pigmentosa GTPase regulator; minus strand). Cytogenetic location: Xp11.4.
Variant type: single nucleotide variant.
Coding change: c.967C>T on transcript NM_001034853.2 (MANE Select); coding-DNA position 967, C replaced by T.
Protein change: p.Arg323Cys; replaces arginine 323 with cysteine.
Molecular consequence: missense variant. On other transcripts: non-coding transcript variant (6).
Genome position (GRCh38, 1-based): chrX:38,301,339, G>A on the plus strand (C>T on the coding strand, the complement: RPGR is on the minus strand). VCF-style: chrX-38301339-G-A. GRCh37 (hg19) VCF-style: chrX-38160592-G-A.
Other names: c.967C>T, p.Arg323Cys (NM_000328.3, NM_001367246.1, NM_001367247.1 and 1 more transcripts); c.964C>T, p.Arg322Cys (NM_001367245.1, NM_001367249.1, NM_001367250.1); c.997C>T, p.Arg333Cys (NM_001367248.1); short protein forms R323C, R333C, R322C.
Identifiers: ClinVar variation 1767766 (VCV001767766.8), dbSNP rs757712647, ClinGen allele CA327926561.
Genomic context (GRCh38, chrX:38,301,339, plus strand): 5'-ACAAAGTAGGAATGAAGTGATTGGTAAAATTCTCCAGTCCAAGTCCTAATTTTCCGTGGC[G>A]ACCATCTCCAAAAGTATACATAAGGCCGATATCTAAAATGCAAAAATAATGAAGAGAATT-3'
Protein context (NP_001030025.1, residues 313-333): IGLMYTFGDG[Arg323Cys]HGKLGLGLEN